The following is an entry in ClinVar:

ClinVar aggregate classification (germline): Likely benign. Review status: criteria provided, multiple submitters, no conflicts (2 of 4 stars). 4 submissions from 4 submitters: Likely benign (4). Last evaluated 2025-05-27.

Conditions:
Hypertrophic cardiomyopathy. Also called: HYPERTROPHIC MYOCARDIOPATHY. Identifiers: Orphanet 217569, MedGen C0007194, MeSH D002312, MONDO:0005045, HP:0001639.
Cardiomyopathy (CMYO). Also called: Cardiomyopathies. Identifiers: Orphanet 167848, MedGen C0878544, MONDO:0004994, HP:0001638. Inheritance: Various modes of inheritance.

Allele frequency attached by ClinVar (database versions not stated): gnomAD exomes below 0.00001; gnomAD 0.00001; TOPMed 0.00002.
gnomAD v4.1: 3 of 1,613,146 alleles (0.00019%); highest among the groups gnomAD compares: Admixed American, 0.0017%; no homozygotes.

Submissions (4):

Labcorp Genetics (formerly Invitae), Labcorp
Classification: Likely benign for Hypertrophic cardiomyopathy. Last evaluated: 2025-05-27. Review status: criteria provided, single submitter. Criteria: Invitae Variant Classification Sherloc (09022015). Collection method: clinical testing. Allele origin: germline.

Blueprint Genetics
Classification: Likely benign. Last evaluated: 2024-02-22. Review status: criteria provided, single submitter. Criteria: ACMG Guidelines, 2015. Collection method: clinical testing. Allele origin: germline.

All of Us Research Program, National Institutes of Health
Classification: Likely benign for Cardiomyopathy. Last evaluated: 2023-12-13. Review status: criteria provided, single submitter. Criteria: ACMG Guidelines, 2015. Collection method: clinical testing. Allele origin: germline. Inheritance: Autosomal dominant inheritance. Observed: 1 variant allele, 1 heterozygote.
Comment: This study involves interpretation of variants in research participants for the purpose of population health screening. Participant phenotype was not available at the time of variant classification. Additional details can be found in publication PMID: 35346344, PMCID: PMC8962531

Color Diagnostics, LLC DBA Color Health
Classification: Likely benign for Cardiomyopathy. Last evaluated: 2020-12-22. Review status: criteria provided, single submitter. Criteria: ACMG Guidelines, 2015. Collection method: clinical testing. Allele origin: germline.

NM_000257.4(MYH7):c.4354-15C>T

Genes: MHRT (myosin heavy chain associated RNA transcript; plus strand), MYH7 (myosin heavy chain 7; minus strand). Cytogenetic location: 14q11.2.
Variant type: single nucleotide variant.
Coding change: c.4354-15C>T on transcript NM_000257.4 (MANE Select); 15 bases into the intron before coding-DNA position 4354, C replaced by T.
Molecular consequence: intron variant. On other transcripts: non-coding transcript variant (1).
Genome position (GRCh38, 1-based): chr14:23,417,333, G>A on the plus strand (C>T on the coding strand, the complement: MYH7 is on the minus strand). VCF-style: chr14-23417333-G-A. GRCh37 (hg19) VCF-style: chr14-23886542-G-A.
Identifiers: ClinVar variation 1172279 (VCV001172279.6), dbSNP rs1175603569, ClinGen allele CA613317951.